The following is an entry in ClinVar:

ClinVar aggregate classification (germline): Likely benign. Review status: criteria provided, multiple submitters, no conflicts (2 of 4 stars). 4 submissions from 4 submitters: Likely benign (4). Last evaluated 2026-01-15.

Conditions:
Karyomegalic interstitial nephritis. Identifiers: Orphanet 401996, MedGen C3553774, MONDO:0013898, OMIM 614817.

Allele frequency attached by ClinVar (database versions not stated): 1000 Genomes Project 0.00040; 1000 Genomes Project 30x 0.00047; ExAC 0.00054; ESP Exome Variant Server 0.00062; gnomAD exomes 0.00070 and 0.00085; gnomAD 0.00078 and 0.00080; TOPMed 0.00088.
gnomAD v4.1: 1,384 of 1,614,042 alleles (0.086%); highest among the groups gnomAD compares: Admixed American, 0.14%; 4 homozygotes.

Submissions (4):

Labcorp Genetics (formerly Invitae), Labcorp
Classification: Likely benign. Last evaluated: 2026-01-15. Review status: criteria provided, single submitter. Criteria: Invitae Variant Classification Sherloc (09022015). Collection method: clinical testing. Allele origin: germline.

CeGaT Center for Human Genetics Tuebingen
Classification: Likely benign. Last evaluated: 2025-08-01. Review status: criteria provided, single submitter. Criteria: CeGaT Center For Human Genetics Tuebingen Variant Classification Criteria Version 2. Collection method: clinical testing. Allele origin: germline. Affected: yes. Observed: 2 variant alleles.
Comment: FAN1: BP4, BP7

Fulgent Genetics
Classification: Likely benign for Karyomegalic interstitial nephritis. Last evaluated: 2021-08-20. Review status: criteria provided, single submitter. Criteria: ACMG Guidelines, 2015. Collection method: clinical testing. Allele origin: unknown.

Breakthrough Genomics
Classification: Likely benign. Review status: criteria provided, single submitter. Criteria: ACMG Guidelines, 2015. Collection method: not provided. Allele origin: germline. Inheritance: Autosomal recessive inheritance. Affected: yes.

NM_014967.5(FAN1):c.2118A>C (p.Arg706=)

Genes: MTMR10 (myotubularin related protein 10; minus strand), FAN1 (FANCD2 and FANCI associated nuclease 1; plus strand). Cytogenetic location: 15q13.3.
Variant type: single nucleotide variant.
Coding change: c.2118A>C on transcript NM_014967.5 (MANE Select); coding-DNA position 2118, A replaced by C.
Protein change: p.Arg706=; no amino-acid change (arginine 706 retained).
Molecular consequence: synonymous variant.
Genome position (GRCh38, 1-based): chr15:30,922,300, A>C. VCF-style: chr15-30922300-A-C. GRCh37 (hg19) VCF-style: chr15-31214503-A-C.
Identifiers: ClinVar variation 723570 (VCV000723570.36), dbSNP rs141559766, ClinGen allele CA7450503.